The following is an entry in ClinVar:

ClinVar aggregate classification (germline): Uncertain significance (1 of 4 stars; one submission).

Submission:

Ambry Genetics
Classification: Uncertain significance. Last evaluated: 2022-03-31. Review status: criteria provided, single submitter. Criteria: Ambry Variant Classification Scheme 2023. Collection method: clinical testing. Allele origin: germline.
Comment: The p.Y1066C variant (also known as c.3197A>G), located in coding exon 18 of the PALLD gene, results from an A to G substitution at nucleotide position 3197. The tyrosine at codon 1066 is replaced by cysteine, an amino acid with highly dissimilar properties. This amino acid position is conserved. In addition, this alteration is predicted to be deleterious by in silico analysis. Since supporting evidence is limited at this time, the clinical significance of this alteration remains unclear.

NM_001166108.2(PALLD):c.3248A>G (p.Tyr1083Cys)

Genes: CBR4 (carbonyl reductase 4; minus strand), PALLD (palladin, cytoskeletal associated protein; plus strand). Cytogenetic location: 4q32.3.
Variant type: single nucleotide variant.
Coding change: c.3248A>G on transcript NM_001166108.2 (MANE Select); coding-DNA position 3248, A replaced by G.
Protein change: p.Tyr1083Cys; replaces tyrosine 1083 with cysteine.
Molecular consequence: missense variant.
Genome position (GRCh38, 1-based): chr4:168,924,968, A>G. VCF-style: chr4-168924968-A-G. GRCh37 (hg19) VCF-style: chr4-169846119-A-G.
Other names: c.2051A>G, p.Tyr684Cys (NM_001166109.2); c.1736A>G, p.Tyr579Cys (NM_001166110.2); c.1076A>G, p.Tyr359Cys (NM_001367567.1, NM_001367569.1); c.1127A>G, p.Tyr376Cys (NM_001367568.1, NM_001367570.1); c.3197A>G, p.Tyr1066Cys (NM_016081.4); short protein forms Y1083C, Y359C, Y579C, Y376C, Y1066C, Y684C.
Identifiers: ClinVar variation 1728721 (VCV001728721.2), dbSNP rs2534267537, ClinGen allele CA358713582.